The following is an entry in ClinVar:

NM_025179.4(PLXNA2):c.3263A>C (p.Lys1088Thr)

Gene: PLXNA2 (plexin A2; minus strand). Cytogenetic location: 1q32.2.
Variant type: single nucleotide variant.
Coding change: c.3263A>C on transcript NM_025179.4 (MANE Select); coding-DNA position 3263, A replaced by C.
Protein change: p.Lys1088Thr; replaces lysine 1088 with threonine.
Molecular consequence: missense variant.
Genome position (GRCh38, 1-based): chr1:208,046,110, T>G on the plus strand (A>C on the coding strand, the complement: PLXNA2 is on the minus strand). VCF-style: chr1-208046110-T-G. GRCh37 (hg19) VCF-style: chr1-208219455-T-G.
Other names: short protein forms K1088T.
Identifiers: ClinVar variation 3056503 (VCV003056503.3), dbSNP rs148175324, ClinGen allele CA1373219.

ClinVar aggregate classification (germline): Uncertain significance (1 of 4 stars; one submission).

Conditions:
PLXNA2-related disorder. Also called: PLXNA2-related condition.

Allele frequency attached by ClinVar (database versions not stated): ExAC 0.00001; gnomAD exomes 0.00001; gnomAD 0.00003; TOPMed 0.00004; ESP Exome Variant Server 0.00008.
gnomAD v4.1: 8 of 1,613,786 alleles (0.0005%); highest among the groups gnomAD compares: African/African-American, 0.0093%; no homozygotes.

Submission:

PreventionGenetics, part of Exact Sciences
Classification: Uncertain significance for PLXNA2-related condition. Last evaluated: 2025-04-30. Review status: criteria provided, single submitter. Criteria: ACMG Guidelines, 2015. Collection method: clinical testing. Allele origin: germline.
Comment: The PLXNA2 c.3263A>C variant is predicted to result in the amino acid substitution p.Lys1088Thr. To our knowledge, this variant has not been reported in the literature. This variant is reported in 0.0062% of alleles in individuals of African descent in gnomAD. At this time, the clinical significance of this variant is uncertain due to the absence of conclusive functional and genetic evidence.